The following is an entry in ClinVar:

ClinVar aggregate classification (germline): Uncertain significance (1 of 4 stars; one submission).

Submission:

Labcorp Genetics (formerly Invitae), Labcorp
Classification: Uncertain significance. Last evaluated: 2022-08-23. Review status: criteria provided, single submitter. Criteria: Invitae Variant Classification Sherloc (09022015). Collection method: clinical testing. Allele origin: germline.
Comment: In summary, the available evidence is currently insufficient to determine the role of this variant in disease. Therefore, it has been classified as a Variant of Uncertain Significance. Algorithms developed to predict the effect of missense changes on protein structure and function are either unavailable or do not agree on the potential impact of this missense change (SIFT: "Deleterious"; PolyPhen-2: "Probably Damaging"; Align-GVGD: "Class C0"). This variant has not been reported in the literature in individuals affected with CIT-related conditions. This variant is not present in population databases (gnomAD no frequency). This sequence change replaces aspartic acid, which is acidic and polar, with histidine, which is basic and polar, at codon 262 of the CIT protein (p.Asp262His).

NM_001206999.2(CIT):c.784G>C (p.Asp262His)

Gene: CIT (citron rho-interacting serine/threonine kinase; minus strand). Cytogenetic location: 12q24.23.
Variant type: single nucleotide variant.
Coding change: c.784G>C on transcript NM_001206999.2 (MANE Select); coding-DNA position 784, G replaced by C.
Protein change: p.Asp262His; replaces aspartic acid 262 with histidine.
Molecular consequence: missense variant.
Genome position (GRCh38, 1-based): chr12:119,825,338, C>G on the plus strand (G>C on the coding strand, the complement: CIT is on the minus strand). VCF-style: chr12-119825338-C-G. GRCh37 (hg19) VCF-style: chr12-120263142-C-G.
Other names: c.784G>C, p.Asp262His (NM_007174.3); short protein forms D262H.
Identifiers: ClinVar variation 2091905 (VCV002091905.4), dbSNP rs2138064902, ClinGen allele CA386543960.